The following is an entry in ClinVar:

NM_006563.5(KLF1):c.534G>T (p.Ser178=)

Genes: KLF1 (KLF transcription factor 1; minus strand), LOC130063673 (ATAC-STARR-seq lymphoblastoid silent region 10180; plus strand). Cytogenetic location: 19p13.13.
Variant type: single nucleotide variant.
Coding change: c.534G>T on transcript NM_006563.5 (MANE Select); coding-DNA position 534, G replaced by T.
Protein change: p.Ser178=; no amino-acid change (serine 178 retained).
Molecular consequence: synonymous variant.
Genome position (GRCh38, 1-based): chr19:12,885,696, C>A on the plus strand (G>T on the coding strand, the complement: KLF1 is on the minus strand). VCF-style: chr19-12885696-C-A. GRCh37 (hg19) VCF-style: chr19-12996510-C-A.
Other names: p.Ser178=.
Identifiers: ClinVar variation 2912527 (VCV002912527.4), dbSNP rs1433045365, ClinGen allele CA505778343.
Genomic context (GRCh38, chr19:12,885,696, plus strand): 5'-CCCGTAGGGGGCGCCCGACGCCGCAGGCACTGAAAGCCCGGTCCGCGGGAAGTAGCCACC[C>A]GAGGAGCCGGCGCCGGGCCCCGGGTACACCGGTTGCAGCGCCAGCGCCTTGGGCTCGGGG-3'
Protein context (NP_006554.1, residues 168-188): PVYPGPGAGS[Ser178=]GGYFPRTGLS

ClinVar aggregate classification (germline): Likely benign. Review status: criteria provided, multiple submitters, no conflicts (2 of 4 stars). 2 submissions from 2 submitters: Likely benign (2). Last evaluated 2025-11-09.

gnomAD v4.1: 9 of 1,529,452 alleles (0.00059%); highest among the groups gnomAD compares: African/African-American, 0.0028%; no homozygotes.

Submissions (2):

Labcorp Genetics (formerly Invitae), Labcorp
Classification: Likely benign. Last evaluated: 2025-11-09. Review status: criteria provided, single submitter. Criteria: Invitae Variant Classification Sherloc (09022015). Collection method: clinical testing. Allele origin: germline.

Mayo Clinic Laboratories, Mayo Clinic
Classification: Likely benign. Last evaluated: 2025-09-10. Review status: criteria provided, single submitter. Criteria: ACMG Guidelines, 2015. Collection method: clinical testing. Allele origin: germline. Observed: 1 variant allele.
Comment: BP4, BP7, PM2_supporting